The following is an entry in ClinVar:

NM_000059.4(BRCA2):c.612_631+34dup

Gene: BRCA2 (BRCA2 DNA repair associated; plus strand). Cytogenetic location: 13q13.1.
Variant type: Duplication.
Coding change: c.612_631+34dup on transcript NM_000059.4 (MANE Select); coding-DNA position 612 through 34 bases into the intron after coding-DNA position 631, 54 bases duplicated.
Molecular consequence: splice donor variant.
Genome position (GRCh38, 1-based): chr13:32,326,594-32,326,647, 54 bases duplicated. GRCh37 (hg19): chr13:32,900,731-32,900,784.
Other names: c.612_631+34dup (NM_001432077.1, NM_001406720.1, NM_001406719.1 and 1 more transcripts); c.243_262+34dup (NM_001406722.1).
Identifiers: ClinVar variation 4629174 (VCV004629174.1).

ClinVar aggregate classification (germline): Uncertain significance (1 of 4 stars; one submission).

Conditions:
Hereditary cancer-predisposing syndrome. Also called: Neoplastic Syndromes, Hereditary; Tumor predisposition; Hereditary Cancer Syndrome; Hereditary neoplastic syndrome. Identifiers: Orphanet 140162, MedGen C0027672, MeSH D009386, MONDO:0015356.

Submission:

Ambry Genetics
Classification: Uncertain significance for Hereditary cancer-predisposing syndrome. Last evaluated: 2025-12-02. Review status: criteria provided, single submitter. Criteria: Ambry Variant Classification Scheme 2023. Collection method: clinical testing. Allele origin: germline.
Comment: The c.612_631+34dup54 variant results from a duplication of 54 nucleotides between positions c.612 and c.631+34 and involves the canonical splice donor site after coding exon 6 of the BRCA2 gene; however, the exact impact of this duplication on splicing and function is currently unknown. In silico splice site analysis predicts that this alteration will weaken the native splice donor site and will result in the creation or strengthening of a novel splice donor site; however, direct evidence is insufficient (Ambry internal data). The canonical splice donor site is highly conserved in available vertebrate species. Based on the available evidence, the clinical significance of this variant remains unclear.